The following is an entry in ClinVar:

ClinVar aggregate classification (germline): Likely pathogenic. Review status: criteria provided, multiple submitters, no conflicts (2 of 4 stars). 2 submissions from 2 submitters: Likely pathogenic (2). Last evaluated 2025-08-19.

Conditions:
Autosomal recessive polycystic kidney disease (ARPKD). Also called: AR polycystic kidney disease. Identifiers: Orphanet 731, Orphanet 8378, MedGen C0085548, MeSH D017044, MONDO:0009889.
Polycystic kidney disease 4 (PKD4). Also called: POLYCYSTIC KIDNEY AND HEPATIC DISEASE 1; POLYCYSTIC KIDNEY DISEASE, INFANTILE, TYPE I; POLYCYSTIC KIDNEY DISEASE 4 WITH OR WITHOUT POLYCYSTIC LIVER DISEASE; PKD3; Autosomal Recessive Polycystic Kidney Disease – PKHD1. Identifiers: MedGen C4540575, MONDO:0033004, OMIM 263200.

Submissions (2):

Natera, Inc.
Classification: Likely pathogenic for Autosomal recessive polycystic kidney disease. Last evaluated: 2025-08-19. Review status: criteria provided, single submitter. Criteria: Natera Variant Classification Schema (03/2026). Collection method: clinical testing. Allele origin: germline.
Comment: The c.970C>T variant in PKHD1 is a nonsense variant predicted to introduce a stop codon at amino acid 324. This variant is expected to result in nonsense mediated decay, truncation, or a dysfunctional protein product. This variant is rare in the general population with a frequency below the threshold expected for the associated phenotype(s). Given the available evidence, this variant is classified as Likely Pathogenic.

Juno Genomics, Hangzhou Juno Genomics, Inc
Classification: Likely pathogenic for Polycystic kidney disease 4. Review status: criteria provided, single submitter. Criteria: ACMG Guidelines, 2015. Collection method: clinical testing. Allele origin: germline.
Comment: Absent from controls (or at extremely low frequency if recessive) in Genome Aggregation Database.;Null variant in a gene where loss of function (LOF) is a known mechanism of disease.

NM_138694.4(PKHD1):c.970C>T (p.Gln324Ter)

Gene: PKHD1 (PKHD1 ciliary IPT domain containing fibrocystin/polyductin; minus strand). Cytogenetic location: 6p12.2.
Variant type: single nucleotide variant.
Coding change: c.970C>T on transcript NM_138694.4 (MANE Select); coding-DNA position 970, C replaced by T.
Protein change: p.Gln324Ter; replaces glutamine 324 with a stop codon.
Molecular consequence: nonsense.
Genome position (GRCh38, 1-based): chr6:52,064,961, G>A on the plus strand (C>T on the coding strand, the complement: PKHD1 is on the minus strand). VCF-style: chr6-52064961-G-A. GRCh37 (hg19) VCF-style: chr6-51929759-G-A.
Other names: c.970C>T, p.Gln324Ter (NM_170724.3); short protein forms Q324*.
Identifiers: ClinVar variation 4816803 (VCV004816803.3).